The following is an entry in ClinVar:

NR_003051.4(RMRP):n.3G>C

Gene: RMRP (RNA component of mitochondrial RNA processing endoribonuclease; minus strand). Cytogenetic location: 9p13.3.
Variant type: single nucleotide variant.
Genome position: GRCh38 VCF-style: chr9-35658017-C-G. GRCh37 (hg19) VCF-style: chr9-35658014-C-G.
Identifiers: ClinVar variation 844631 (VCV000844631.7), dbSNP rs905844277, ClinGen allele CA192745734.

ClinVar aggregate classification (germline): Uncertain significance. Review status: criteria provided, single submitter (1 of 4 stars). 2 submissions from 2 submitters: Uncertain significance (1). 1 of the submissions does not count toward it. Last evaluated 2025-12-23.

Conditions:
Metaphyseal chondrodysplasia, McKusick type (CHH). Also called: Cartilage-hair hypoplasia; Cartilage-Hair Hypoplasia (CHH). Identifiers: Orphanet 175, MedGen C0220748, MONDO:0009595, OMIM 250250.
Anauxetic dysplasia. Identifiers: Orphanet 93347, MedGen C1846796, MONDO:0011773.

gnomAD v4.1: 25 of 690,272 alleles (0.0036%); highest among the groups gnomAD compares: Middle Eastern, 0.11%; 1 homozygote.

Submissions (2):

Labcorp Genetics (formerly Invitae), Labcorp
Classification: Uncertain significance for Anauxetic dysplasia. Last evaluated: 2025-12-23. Review status: criteria provided, single submitter. Criteria: Invitae Variant Classification Sherloc (09022015). Collection method: clinical testing. Allele origin: germline.
Comment: This variant occurs in the RMRP gene, which encodes an RNA molecule that does not result in a protein product. This variant is present in population databases (no rsID available, gnomAD 0.02%). This variant has not been reported in the literature in individuals affected with RMRP-related conditions. ClinVar contains an entry for this variant (Variation ID: 844631). In summary, the available evidence is currently insufficient to determine the role of this variant in disease. Therefore, it has been classified as a Variant of Uncertain Significance.

Natera, Inc.
Classification: Uncertain significance for Cartilage-hair hypoplasia. Last evaluated: 2020-01-06. Review status: no assertion criteria provided. Collection method: clinical testing. Allele origin: germline. Not counted in ClinVar's aggregate classification.